The following is an entry in ClinVar:

ClinVar aggregate classification (germline): Pathogenic/Likely pathogenic. Review status: criteria provided, multiple submitters, no conflicts (2 of 4 stars). 2 submissions from 2 submitters: Pathogenic (1); Likely pathogenic (1). Last evaluated 2025-03-18.

Conditions:
Medium-chain acyl-coenzyme A dehydrogenase deficiency (ACADMD). Also called: Medium chain acyl-CoA dehydrogenase deficiency; MCADH DEFICIENCY; MCADD; ACADM DEFICIENCY; MCAD Deficiency; CARNITINE DEFICIENCY SECONDARY TO MEDIUM-CHAIN ACYL-CoA DEHYDROGENASE DEFICIENCY. Identifiers: Orphanet 42, MedGen C0220710, MONDO:0008721, OMIM 201450.

Submissions (2):

Natera, Inc.
Classification: Likely pathogenic for Medium Chain Acyl-CoA Dehydrogenase Deficiency. Last evaluated: 2025-03-18. Review status: criteria provided, single submitter. Criteria: Natera Variant Classification Schema (03/2026). Collection method: clinical testing. Allele origin: germline.
Comment: The c.799G>T variant in ACADM is a nonsense variant predicted to introduce a stop codon at amino acid 267. This variant is expected to result in nonsense mediated decay, truncation, or a dysfunctional protein product. This variant is rare in the general population with a frequency below the threshold expected for the associated phenotype(s). Given the available evidence, this variant is classified as Likely Pathogenic.

Labcorp Genetics (formerly Invitae), Labcorp
Classification: Pathogenic for Medium-chain acyl-coenzyme A dehydrogenase deficiency. Last evaluated: 2022-05-29. Review status: criteria provided, single submitter. Criteria: Invitae Variant Classification Sherloc (09022015). Collection method: clinical testing. Allele origin: germline.
Comment: For these reasons, this variant has been classified as Pathogenic. This variant has not been reported in the literature in individuals affected with ACADM-related conditions. This variant is not present in population databases (gnomAD no frequency). This sequence change creates a premature translational stop signal (p.Gly267*) in the ACADM gene. It is expected to result in an absent or disrupted protein product. Loss-of-function variants in ACADM are known to be pathogenic (PMID: 16121256, 20434380).

Literature cited by the submitters: PubMed 16121256 (cited by Labcorp Genetics (formerly Invitae), Labcorp); PubMed 20434380 (cited by Labcorp Genetics (formerly Invitae), Labcorp).

NM_000016.6(ACADM):c.799G>T (p.Gly267Ter)

Gene: ACADM (acyl-CoA dehydrogenase medium chain; plus strand). Cytogenetic location: 1p31.1.
Variant type: single nucleotide variant.
Coding change: c.799G>T on transcript NM_000016.6 (MANE Select); coding-DNA position 799, G replaced by T.
Protein change: p.Gly267Ter; replaces glycine 267 with a stop codon.
Molecular consequence: nonsense.
Genome position (GRCh38, 1-based): chr1:75,749,509, G>T. VCF-style: chr1-75749509-G-T. GRCh37 (hg19) VCF-style: chr1-76215194-G-T.
Other names: c.811G>T, p.Gly271Ter (NM_001127328.3); c.691G>T, p.Gly231Ter (NM_001286042.2); c.898G>T, p.Gly300Ter (NM_001286043.2); c.232G>T, p.Gly78Ter (NM_001286044.2); short protein forms G231*, G78*, G267*, G271*, G300*.
Identifiers: ClinVar variation 1997897 (VCV001997897.6), dbSNP rs121434274, ClinGen allele CA340816710.